The following is an entry in ClinVar:

NM_000020.3(ACVRL1):c.235G>A (p.Gly79Arg)

Gene: ACVRL1 (activin A receptor like type 1; plus strand). Cytogenetic location: 12q13.13.
Variant type: single nucleotide variant.
Coding change: c.235G>A on transcript NM_000020.3 (MANE Select); coding-DNA position 235, G replaced by A.
Protein change: p.Gly79Arg; replaces glycine 79 with arginine.
Molecular consequence: missense variant.
Genome position (GRCh38, 1-based): chr12:51,913,272, G>A. VCF-style: chr12-51913272-G-A. GRCh37 (hg19) VCF-style: chr12-52307056-G-A.
Other names: p.Gly79Arg; c.235G>A, p.Gly79Arg (NM_001077401.2, NM_001406487.1, NM_001406488.1 and 6 more transcripts); short protein forms G79R.
Identifiers: ClinVar variation 1790138 (VCV001790138.6), dbSNP rs2540158927, ClinGen allele CA384897969.

ClinVar aggregate classification (germline): Likely pathogenic. Review status: criteria provided, multiple submitters, no conflicts (2 of 4 stars). 3 submissions from 3 submitters: Likely pathogenic (3). Last evaluated 2025-08-04.

Conditions:
Cardiovascular phenotype. Identifiers: MedGen CN230736.
Telangiectasia, hereditary hemorrhagic, type 2 (HHT2). Also called: Telangiectasia, hereditary hemorrhagic, type II; ACVRL1-Related Hereditary Hemorrhagic Telangiectasia. Identifiers: Orphanet 774, MedGen C1838163, MONDO:0010880, OMIM 600376. Disease mechanism: loss of function.

Submissions (3):

Labcorp Genetics (formerly Invitae), Labcorp
Classification: Likely pathogenic for Telangiectasia, hereditary hemorrhagic, type 2. Last evaluated: 2025-08-04. Review status: criteria provided, single submitter. Criteria: Invitae Variant Classification Sherloc (09022015). Collection method: clinical testing. Allele origin: germline.
Comment: This sequence change replaces glycine, which is neutral and non-polar, with arginine, which is basic and polar, at codon 79 of the ACVRL1 protein (p.Gly79Arg). This variant is not present in population databases (gnomAD no frequency). This missense change has been observed in individual(s) with clinical features of hereditary hemorrhagic telangiectasia (PMID: 16540754; internal data). ClinVar contains an entry for this variant (Variation ID: 1790138). Invitae Evidence Modeling of protein sequence and biophysical properties (such as structural, functional, and spatial information, amino acid conservation, physicochemical variation, residue mobility, and thermodynamic stability) has been performed for this missense variant. However, the output from this modeling did not meet the statistical confidence thresholds required to predict the impact of this variant on ACVRL1 protein function. This variant disrupts the p.Gly79 amino acid residue in ACVRL1. Other variant(s) that disrupt this residue have been determined to be pathogenic (internal data). This suggests that this residue is clinically significant, and that variants that disrupt this residue are likely to be disease-causing. In summary, the currently available evidence indicates that the variant is pathogenic, but additional data are needed to prove that conclusively. Therefore, this variant has been classified as Likely Pathogenic.

Mayo Clinic Laboratories, Mayo Clinic
Classification: Likely pathogenic. Last evaluated: 2025-06-25. Review status: criteria provided, single submitter. Criteria: ACMG Guidelines, 2015. Collection method: clinical testing. Allele origin: germline. Observed: 1 variant allele.
Comment: PM1, PM2_supporting, PM5, PS1_supporting, PS4_supporting

Ambry Genetics
Classification: Likely pathogenic for Cardiovascular phenotype. Last evaluated: 2021-03-12. Review status: criteria provided, single submitter. Criteria: Ambry Variant Classification Scheme 2023. Collection method: clinical testing. Allele origin: germline.
Comment: The p.G79R variant (also known as c.235G>A), located in coding exon 2 of the ACVRL1 gene, results from a G to A substitution at nucleotide position 235. The glycine at codon 79 is replaced by arginine, an amino acid with dissimilar properties. This variant, and a similar p.G79R c.235G>C alteration, have been described in two hereditary hemorrhagic telangiectasia (HHT) families (Olivieri C et al. Genet. Med., 2006 Mar;8:183-90; Heimdal K et al. Clin. Genet., 2016 Feb;89:182-6). This variant, located on the convex surface of ACVRL1, is predicted to alter hydrostatic potential, interfere with binding of BMP9, and result in structural disorder of the protein (Scotti C et al. PLoS ONE, 2011 Oct;6:e26431). This variant was not reported in population-based cohorts in the Genome Aggregation Database (gnomAD). This amino acid position is well conserved in available vertebrate species. In addition, this alteration is predicted to be deleterious by in silico analysis. Based on the majority of available evidence to date, this variant is likely to be pathogenic.

Literature cited by the submitters: PubMed 16540754 (cited by 3 submitters); PubMed 17786384 (cited by Mayo Clinic Laboratories, Mayo Clinic and Ambry Genetics); PubMed 22028876 (cited by Mayo Clinic Laboratories, Mayo Clinic and Ambry Genetics); PubMed 22718755 (cited by Mayo Clinic Laboratories, Mayo Clinic); PubMed 25970827 (cited by Mayo Clinic Laboratories, Mayo Clinic and Ambry Genetics).